The following is an entry in ClinVar:

NM_030943.4(AMN):c.532G>A (p.Asp178Asn)

Gene: AMN (amnion associated transmembrane protein; plus strand). Cytogenetic location: 14q32.32.
Variant type: single nucleotide variant.
Coding change: c.532G>A on transcript NM_030943.4 (MANE Select); coding-DNA position 532, G replaced by A.
Protein change: p.Asp178Asn; replaces aspartic acid 178 with asparagine.
Molecular consequence: missense variant.
Genome position (GRCh38, 1-based): chr14:102,929,139, G>A. VCF-style: chr14-102929139-G-A. GRCh37 (hg19) VCF-style: chr14-103395476-G-A.
Other names: short protein forms D178N.
Identifiers: ClinVar variation 1432388 (VCV001432388.5), dbSNP rs575761625, ClinGen allele CA7359965.
Genomic context (GRCh38, chr14:102,929,139, plus strand): 5'-TCTTCCTCGGGCTGGCTCCGGTGGGGACCCGGCTGCCCGCAGACGTTCACGCGCGACGAG[G>A]ACCTGGCTGTTTTCCTGGCGTCCCGCGCGGGCCGCCTACGCTTCCACGGGCCGGGCGCGC-3'
Protein context (NP_112205.2, residues 168-188): ALGRTFTRDE[Asp178Asn]LAVFLASRAG

ClinVar aggregate classification (germline): Uncertain significance. Review status: criteria provided, multiple submitters, no conflicts (2 of 4 stars). 3 submissions from 3 submitters: Uncertain significance (3). Last evaluated 2023-04-25.

Conditions:
Imerslund-Grasbeck syndrome type 2. Also called: MEGALOBLASTIC ANEMIA, NORWEGIAN TYPE; Imerslund-Gräsbeck syndrome 2; Megaloblastic anemia 1, Norwegian type. Identifiers: MedGen C4016948, MONDO:0100157, OMIM 618882.
Imerslund-Grasbeck syndrome. Also called: Megaloblastic anemia due to inborn errors of metabolism; Imerslund-Gräsbeck syndrome; ENTEROCYTE COBALAMIN MALABSORPTION; ENTEROCYTE INTRINSIC FACTOR RECEPTOR, DEFECT OF; PERNICIOUS ANEMIA, JUVENILE, DUE TO SELECTIVE INTESTINAL MALABSORPTION OF VITAMIN B12, WITH PROTEINURIA. Identifiers: Orphanet 35858, MedGen C4551825, MONDO:0009853.

Allele frequency attached by ClinVar (database versions not stated): gnomAD 0.00002 and 0.00003; gnomAD exomes 0.00002 and 0.00005; ExAC 0.00005; TOPMed 0.00007; 1000 Genomes Project 0.00020; 1000 Genomes Project 30x 0.00031.
gnomAD v4.1: 41 of 1,597,458 alleles (0.0026%); highest among the groups gnomAD compares: East Asian, 0.045%; no homozygotes.

Submissions (3):

Blueprint Genetics
Classification: Uncertain significance. Last evaluated: 2023-04-25. Review status: criteria provided, single submitter. Criteria: ACMG Guidelines, 2015. Collection method: clinical testing. Allele origin: germline.

Labcorp Genetics (formerly Invitae), Labcorp
Classification: Uncertain significance for Imerslund-Grasbeck syndrome. Last evaluated: 2022-08-16. Review status: criteria provided, single submitter. Criteria: Invitae Variant Classification Sherloc (09022015). Collection method: clinical testing. Allele origin: germline.
Comment: This sequence change replaces aspartic acid, which is acidic and polar, with asparagine, which is neutral and polar, at codon 178 of the AMN protein (p.Asp178Asn). This variant is present in population databases (rs575761625, gnomAD 0.04%). This variant has not been reported in the literature in individuals affected with AMN-related conditions. ClinVar contains an entry for this variant (Variation ID: 1432388). Algorithms developed to predict the effect of missense changes on protein structure and function are either unavailable or do not agree on the potential impact of this missense change (SIFT: "Tolerated"; PolyPhen-2: "Possibly Damaging"; Align-GVGD: "Class C0"). In summary, the available evidence is currently insufficient to determine the role of this variant in disease. Therefore, it has been classified as a Variant of Uncertain Significance.

Fulgent Genetics
Classification: Uncertain significance for Imerslund-Grasbeck syndrome type 2. Last evaluated: 2021-12-02. Review status: criteria provided, single submitter. Criteria: ACMG Guidelines, 2015. Collection method: clinical testing. Allele origin: unknown.